The following is an entry in ClinVar:

NM_001297.5(CNGB1):c.2531T>A (p.Ile844Asn)

Gene: CNGB1 (cyclic nucleotide gated channel subunit beta 1; minus strand). Cytogenetic location: 16q21.
Variant type: single nucleotide variant.
Coding change: c.2531T>A on transcript NM_001297.5 (MANE Select); coding-DNA position 2531, T replaced by A.
Protein change: p.Ile844Asn; replaces isoleucine 844 with asparagine.
Molecular consequence: missense variant.
Genome position (GRCh38, 1-based): chr16:57,904,837, A>T on the plus strand (T>A on the coding strand, the complement: CNGB1 is on the minus strand). VCF-style: chr16-57904837-A-T. GRCh37 (hg19) VCF-style: chr16-57938741-A-T.
Other names: c.2513T>A, p.Ile838Asn (NM_001286130.2); short protein forms I838N, I844N.
Identifiers: ClinVar variation 1019254 (VCV001019254.8), dbSNP rs1960499131, ClinGen allele CA396058878.

ClinVar aggregate classification (germline): Uncertain significance (1 of 4 stars; one submission).

Allele frequency attached by ClinVar (database versions not stated): gnomAD exomes below 0.00001; TOPMed below 0.00001.
gnomAD v4.1: 3 of 1,614,180 alleles (0.00019%); highest among the groups gnomAD compares: Non-Finnish European, 0.00025%; no homozygotes.

Submission:

Labcorp Genetics (formerly Invitae), Labcorp
Classification: Uncertain significance. Last evaluated: 2020-01-23. Review status: criteria provided, single submitter. Criteria: Invitae Variant Classification Sherloc (09022015). Collection method: clinical testing. Allele origin: germline.
Comment: In summary, the available evidence is currently insufficient to determine the role of this variant in disease. Therefore, it has been classified as a Variant of Uncertain Significance. Algorithms developed to predict the effect of missense changes on protein structure and function are either unavailable or do not agree on the potential impact of this missense change (SIFT: "Deleterious"; PolyPhen-2: "Probably Damaging"; Align-GVGD: "Class C0"). This variant has not been reported in the literature in individuals with CNGB1-related conditions. This variant is not present in population databases (ExAC no frequency). This sequence change replaces isoleucine with asparagine at codon 844 of the CNGB1 protein (p.Ile844Asn). The isoleucine residue is moderately conserved and there is a large physicochemical difference between isoleucine and asparagine.